The following is an entry in ClinVar:

NM_001270.4(CHD1):c.3711-9T>C

Gene: CHD1 (chromodomain helicase DNA binding protein 1; minus strand). Cytogenetic location: 5q15.
Variant type: single nucleotide variant.
Coding change: c.3711-9T>C on transcript NM_001270.4 (MANE Select); 9 bases into the intron before coding-DNA position 3711, T replaced by C.
Molecular consequence: intron variant.
Genome position (GRCh38, 1-based): chr5:98,872,210, A>G on the plus strand (T>C on the coding strand, the complement: CHD1 is on the minus strand). VCF-style: chr5-98872210-A-G. GRCh37 (hg19) VCF-style: chr5-98207914-A-G.
Other names: c.3711-9T>C (NM_001376194.2, NM_001364113.3).
Identifiers: ClinVar variation 4854360 (VCV004854360.1).

ClinVar aggregate classification (germline): Uncertain significance (1 of 4 stars; one submission).

Conditions:
Pilarowski-Bjornsson syndrome. Also called: DEVELOPMENTAL DELAY AND SPEECH APRAXIA WITH OR WITHOUT SEIZURES. Identifiers: Orphanet 529965, MedGen C4540131, MONDO:0060568, OMIM 617682.

Submission:

3billion
Classification: Uncertain significance for Pilarowski-Bjornsson syndrome. Last evaluated: 2025-11-14. Review status: criteria provided, single submitter. Criteria: ACMG Guidelines, 2015. Collection method: clinical testing. Allele origin: germline. Affected: yes.
Comment: The variant is not observed in the gnomAD v4.1.0 dataset. Predicted Consequence/Location: Intron variant In silico tools predict the variant to alter splicing and produce an abnormal transcript [SpliceAI: 0.38 (>=0.2, moderate evidence for spliceogenicity)]. Therefore, this variant is classified as VUS according to the recommendation of ACMG/AMP guideline.